The following is an entry in ClinVar:

ClinVar aggregate classification (germline): Uncertain significance (1 of 4 stars; one submission).

Conditions:
Primary ciliary dyskinesia 20. Also called: CILIARY DYSKINESIA, PRIMARY, 20, WITH OR WITHOUT SITUS INVERSUS. Identifiers: Orphanet 244, MedGen C3540844, MONDO:0014030, OMIM 615067.

Submission:

Servicio Canario de Salud, Hospital Universitario Nuestra Sra. de Candelaria
Classification: Uncertain significance for Primary ciliary dyskinesia 20. Last evaluated: 2024-01-16. Review status: criteria provided, single submitter. Criteria: ACMG Guidelines, 2015. Collection method: clinical testing. Allele origin: unknown. Inheritance: Autosomal recessive inheritance. Affected: yes.
Comment: This variant has been identified together with c.358C>T p.(Gln120Ter) of the ODAD1 gene. This variant is present in population databases (gnomAD allele frequency 0.000007931). This variant has never been reported in ABCC9 related-disorders. In summary, c.(360+1_361-1)_(597+1_597-1)del ODAD1 variant meets our criteria to be classified as Variant of Uncertain Significance-Probably Pathogenic based upon its absence from controls and and the clinical correlation in this patient´s phenotype.

NM_001364171.2:c.(360+1_361-1)_(597+1_597-1)del

Gene: ODAD1 (outer dynein arm docking complex subunit 1; minus strand).
Variant type: Deletion.
Other names: c.(360+1_361-1)_(597+1_597-1)del (NM_001364171.2).
Identifiers: ClinVar variation 2920669 (VCV002920669.2).